The following is an entry in ClinVar:

ClinVar aggregate classification (germline): Likely benign. Review status: criteria provided, single submitter (1 of 4 stars). 2 submissions from 2 submitters: Likely benign (1). 1 of the submissions does not count toward it. Last evaluated 2021-07-23.

Conditions:
Inborn genetic diseases. Identifiers: MedGen C0950123, MeSH D030342.
WAC-related disorder. Also called: WAC-related condition.

Allele frequency attached by ClinVar (database versions not stated): gnomAD exomes 0.00008; gnomAD 0.00009; ExAC 0.00010; TOPMed 0.00010; ESP Exome Variant Server 0.00015.
gnomAD v4.1: 133 of 1,589,384 alleles (0.0084%); highest among the groups gnomAD compares: Non-Finnish European, 0.011%; no homozygotes.

Submissions (2):

Ambry Genetics
Classification: Likely benign for Inborn genetic diseases. Last evaluated: 2021-07-23. Review status: criteria provided, single submitter. Criteria: Ambry Variant Classification Scheme 2023. Collection method: clinical testing. Allele origin: germline.

PreventionGenetics, part of Exact Sciences
Classification: Likely benign for WAC-related condition. Last evaluated: 2024-03-04. Review status: no assertion criteria provided. Collection method: clinical testing. Allele origin: germline. Not counted in ClinVar's aggregate classification.
Comment: This variant is classified as likely benign based on ACMG/AMP sequence variant interpretation guidelines (Richards et al. 2015 PMID: 25741868, with internal and published modifications).

NM_016628.5(WAC):c.1746+4T>C

Gene: WAC (WW domain containing adaptor with coiled-coil; plus strand). Cytogenetic location: 10p12.1.
Variant type: single nucleotide variant.
Coding change: c.1746+4T>C on transcript NM_016628.5 (MANE Select); 4 bases into the intron after coding-DNA position 1746, T replaced by C.
Molecular consequence: intron variant.
Genome position (GRCh38, 1-based): chr10:28,616,366, T>C. VCF-style: chr10-28616366-T-C. GRCh37 (hg19) VCF-style: chr10-28905295-T-C.
Other names: c.1611+4T>C (NM_100264.3); c.1437+4T>C (NM_100486.4).
Identifiers: ClinVar variation 2232081 (VCV002232081.3), dbSNP rs370224925, ClinGen allele CA5455129.
Genomic context (GRCh38, chr10:28,616,366, plus strand): 5'-AGTGAAAATCTCATAAAACACGTTCAAGGATGGCCTGCAGATCATGCAGAGAAGCAGGTA[T>C]GTTATGTACAGCCTAGATTTTACCTTTGGATGATTAGCAAAACAGAATTTAATCAACTTC-3'